The following is an entry in ClinVar:

ClinVar aggregate classification (germline): Uncertain significance. Review status: criteria provided, multiple submitters, no conflicts (2 of 4 stars). 2 submissions from 2 submitters: Uncertain significance (2). Last evaluated 2024-09-14.

Allele frequency attached by ClinVar (database versions not stated): gnomAD exomes below 0.00001 and 0.00001; ExAC 0.00001; gnomAD 0.00001 and 0.00002; 1000 Genomes Project 30x 0.00016; 1000 Genomes Project 0.00020.
gnomAD v4.1: 10 of 1,612,780 alleles (0.00062%); highest among the groups gnomAD compares: Admixed American, 0.0033%; no homozygotes.

Submissions (2):

Blueprint Genetics
Classification: Uncertain significance. Last evaluated: 2024-09-14. Review status: criteria provided, single submitter. Criteria: ACMG Guidelines, 2015. Collection method: clinical testing. Allele origin: germline.

Labcorp Genetics (formerly Invitae), Labcorp
Classification: Uncertain significance. Last evaluated: 2023-08-14. Review status: criteria provided, single submitter. Criteria: Invitae Variant Classification Sherloc (09022015). Collection method: clinical testing. Allele origin: germline.
Comment: In summary, the available evidence is currently insufficient to determine the role of this variant in disease. Therefore, it has been classified as a Variant of Uncertain Significance. An algorithm developed to predict the effect of missense changes on protein structure and function (PolyPhen-2) suggests that this variant is likely to be disruptive. ClinVar contains an entry for this variant (Variation ID: 1486500). This variant has not been reported in the literature in individuals affected with SAMD11-related conditions. This variant is present in population databases (rs554462154, gnomAD 0.006%). This sequence change replaces glycine, which is neutral and non-polar, with glutamic acid, which is acidic and polar, at codon 531 of the SAMD11 protein (p.Gly531Glu).

NM_001385641.1(SAMD11):c.2081G>A (p.Gly694Glu)

Genes: SAMD11 (sterile alpha motif domain containing 11; plus strand), LOC129929063 (ATAC-STARR-seq lymphoblastoid active region 4; plus strand). Cytogenetic location: 1p36.33.
Variant type: single nucleotide variant.
Coding change: c.2081G>A on transcript NM_001385641.1 (MANE Select); coding-DNA position 2081, G replaced by A.
Protein change: p.Gly694Glu; replaces glycine 694 with glutamic acid.
Molecular consequence: missense variant.
Genome position (GRCh38, 1-based): chr1:943,280, G>A. VCF-style: chr1-943280-G-A. GRCh37 (hg19) VCF-style: chr1-878660-G-A.
Other names: c.2084G>A, p.Gly695Glu (NM_001385640.1); c.1592G>A, p.Gly531Glu (NM_152486.4); short protein forms G531E, G694E, G695E.
Identifiers: ClinVar variation 1486500 (VCV001486500.6), dbSNP rs554462154, ClinGen allele CA503136.